The following is an entry in ClinVar:

NM_007294.4(BRCA1):c.5090G>A (p.Cys1697Tyr)

Gene: BRCA1 (BRCA1 DNA repair associated; minus strand). Cytogenetic location: 17q21.31.
Variant type: single nucleotide variant.
Coding change: c.5090G>A on transcript NM_007294.4 (MANE Select); coding-DNA position 5090, G replaced by A.
Protein change: p.Cys1697Tyr; replaces cysteine 1697 with tyrosine.
Molecular consequence: missense variant. On other transcripts: non-coding transcript variant (1).
Genome position (GRCh38, 1-based): chr17:43,063,936, C>T on the plus strand (G>A on the coding strand, the complement: BRCA1 is on the minus strand). VCF-style: chr17-43063936-C-T. GRCh37 (hg19) VCF-style: chr17-41215953-C-T.
Other names: NM_007294.4(BRCA1):c.5090G>A; 5209G>A; c.1700G>A, p.Cys567Tyr (NM_001408416.1, NM_001408412.1, NM_001408413.1 and 2 more transcripts); c.1664G>A, p.Cys555Tyr (NM_001408418.1, NM_001408419.1, NM_001408420.1); c.1661G>A, p.Cys554Tyr (NM_001408421.1, NM_001408422.1, NM_001408423.1 and 1 more transcripts); c.1655G>A, p.Cys552Tyr (NM_001408434.1, NM_001408435.1, NM_001408436.1 and 10 more transcripts); c.1640G>A, p.Cys547Tyr (NM_001408454.1, NM_001408455.1, NM_001408456.1 and 3 more transcripts); c.1637G>A, p.Cys546Tyr (NM_001408458.1, NM_001408459.1, NM_001408460.1 and 7 more transcripts); and 73 more; short protein forms C1697Y, C1650Y, C593Y, C1718Y, C1401Y, C1568Y, C1607Y, C1669Y.
Identifiers: ClinVar variation 37635 (VCV000037635.30), dbSNP rs397507241, ClinGen allele CA003230.

ClinVar aggregate classification (germline): Likely pathogenic. Review status: reviewed by expert panel (3 of 4 stars). 11 submissions from 11 submitters: Likely pathogenic (1). 10 of the submissions do not count toward it. Last evaluated 2025-05-23.

Conditions:
BRCA1-related cancer predisposition. Identifiers: MedGen CN377757, MONDO:0700268.
Pancreatic cancer, susceptibility to, 4. Identifiers: Orphanet 1333, MedGen C3280442, MONDO:0013685, OMIM 614320.
Breast-ovarian cancer, familial, susceptibility to, 1 (BROVCA1). Also called: BRCA1 Hereditary Breast and Ovarian Cancer; OVARIAN CANCER, SUSCEPTIBILITY TO. Identifiers: Orphanet 145, MedGen C2676676, MONDO:0011450, OMIM 604370. Disease mechanism: loss of function.
Fanconi anemia, complementation group S (FANCS). Identifiers: MedGen C4554406, MONDO:0054748, OMIM 617883.
Breast and/or ovarian cancer. Identifiers: MedGen CN221562.
Hereditary cancer-predisposing syndrome. Also called: Hereditary neoplastic syndrome; Neoplastic Syndromes, Hereditary; Hereditary Cancer Syndrome; Tumor predisposition. Identifiers: Orphanet 140162, MedGen C0027672, MeSH D009386, MONDO:0015356.
Hereditary breast ovarian cancer syndrome. Also called: Breast and ovarian cancer; Hereditary breast and/or ovarian cancer syndrome; BRCA1- and BRCA2-Associated Hereditary Breast and Ovarian Cancer; Hereditary breast and ovarian cancer syndrome; Hereditary breast and ovarian cancer; Hereditary breast and ovarian cancer syndrome (HBOC). Identifiers: Orphanet 145, MedGen C0677776, MeSH D061325, MONDO:0003582. Disease mechanism: loss of function.
Malignant tumor of breast. Also called: Cancer breast; Malignant breast neoplasm. Identifiers: MedGen C0006142, MONDO:0007254. Disease mechanism: loss of function.

Submissions 1 to 6 of 12:

ClinGen ENIGMA BRCA1 and BRCA2 Variant Curation Expert Panel, ClinGen
Classification: Likely pathogenic for BRCA1-related cancer predisposition. Last evaluated: 2025-05-23. Review status: reviewed by expert panel. Criteria: CSpec BRCA1/2ACMG Rules Specifications V1.2. Collection method: curation. Allele origin: germline. Inheritance: Autosomal dominant inheritance.
Comment: The c.5090G>A variant in BRCA1 is a missense variant predicted to cause substitution of Cysteine by Tyrosine at amino acid 1697 (p.Cys1697Tyr). This variant is absent from gnomAD v2.1 (exomes only, non-cancer subset, read depth ≥25) and gnomAD v3.1 (non-cancer subset, read depth ≥25) (PM2_Supporting met). This BRCA1 missense variant is within a key functional domain and the computational predictor BayesDel (noAF) gives a score of 0.386, above the recommended threshold of 0.28 for prediction of impact on BRCA1 function via protein change. SpliceAI predictor score of 0.02 suggests that the variant has no impact on splicing (score threshold <0.10) (PP3 met). Reported by two calibrated studies to exhibit protein function similar to pathogenic control variants (PMIDs: 30209399, 38709234) (PS3 met). Multifactorial likelihood ratio analysis using clinically calibrated data produced a combined LR for this variant of 0.48 (based on Family History LR=0.48), within the thresholds for supporting benign evidence (LR >0.23 & ≥0.48) (PMID: 31853058). The VCEP decided to not yet include BP5_Supporting as the LR is very close to the threshold of no evidence, and the Family history model is currently being updated. The VCEP is interested in additional data that could be incorporated in the classification of this variant, please contact the submitter. In summary, this variant meets the criteria to be classified as a Likely pathogenic variant for BRCA1-related cancer predisposition based on the ACMG/AMP criteria applied as specified by the ENIGMA BRCA1/2 VCEP (PM2_Supporting, PP3, PS3).

Myriad Genetics, Inc.
Classification: Pathogenic for Breast-ovarian cancer, familial, susceptibility to, 1. Last evaluated: 2026-08-11. Review status: criteria provided, single submitter. Criteria: Myriad Autosomal Dominant, Autosomal Recessive and X-Linked Classification Criteria (2023). Collection method: clinical testing. Allele origin: unknown. Not counted in ClinVar's aggregate classification.
Comment: This variant is considered pathogenic. Functional studies indicate this variant impacts protein function [PMID: 28781887, 30209399]. This variant is expected to disrupt protein structure [Myriad internal data]. This variant is strongly associated with personal and family histories of cancer, typical for individuals with pathogenic variants in this gene [PMID: 25085752].

Labcorp Genetics (formerly Invitae), Labcorp
Classification: Pathogenic for Hereditary breast ovarian cancer syndrome. Last evaluated: 2025-03-17. Review status: criteria provided, single submitter. Criteria: Invitae Variant Classification Sherloc (09022015). Collection method: clinical testing. Allele origin: germline. Not counted in ClinVar's aggregate classification.
Comment: This sequence change replaces cysteine, which is neutral and slightly polar, with tyrosine, which is neutral and polar, at codon 1697 of the BRCA1 protein (p.Cys1697Tyr). This variant is not present in population databases (gnomAD no frequency). This missense change has been observed in individual(s) with breast and/or ovarian cancer (PMID: 24729269, 29470806). ClinVar contains an entry for this variant (Variation ID: 37635). Invitae Evidence Modeling incorporating data from in vitro experimental studies (PMID: 30209399) indicates that this missense variant is expected to disrupt BRCA1 function with a positive predictive value of 95%. Experimental studies have shown that this missense change affects BRCA1 function (PMID: 28781887, 30209399). This variant disrupts the p.Cys1697 amino acid residue in BRCA1. Other variant(s) that disrupt this residue have been determined to be pathogenic (PMID: 11157798, 11389159, 18465347). This suggests that this residue is clinically significant, and that variants that disrupt this residue are likely to be disease-causing. For these reasons, this variant has been classified as Pathogenic.

Women's Health and Genetics/Laboratory Corporation of America, LabCorp
Classification: Pathogenic for Hereditary breast ovarian cancer syndrome. Last evaluated: 2024-12-14. Review status: criteria provided, single submitter. Criteria: LabCorp Variant Classification Summary - May 2015. Collection method: clinical testing. Allele origin: germline. Not counted in ClinVar's aggregate classification.
Comment: Variant summary: BRCA1 c.5090G>A (p.Cys1697Tyr) results in a non-conservative amino acid change located in the BRCT domain of the encoded protein sequence. Five of five in-silico tools predict a damaging effect of the variant on protein function. The variant was absent in 251600 control chromosomes. c.5090G>A has been reported in the literature in multiple individuals affected with Hereditary Breast And Ovarian Cancer Syndrome (example, Biunno_2014, Wang_2019, Abdel-Razeq_2023, Wen_2023). These data indicate that the variant is very likely to be associated with disease. Multiple publications report experimental evidence evaluating an impact on protein function. The most pronounced variant effect results in loss of homology directed repair (HDR) activity (example Findlay_2018). The following publications have been ascertained in the context of this evaluation (PMID: 36660366, 28781887, 30209399, 29470806, 30982232, 37523182, 24729269). ClinVar contains an entry for this variant (Variation ID: 37635). Based on the evidence outlined above, the variant was classified as pathogenic.

Fulgent Genetics
Classification: Likely pathogenic for Breast-ovarian cancer, familial, susceptibility to, 1; Pancreatic cancer, susceptibility to, 4; Fanconi anemia, complementation group S. Last evaluated: 2024-02-12. Review status: criteria provided, single submitter. Criteria: ACMG Guidelines, 2015. Collection method: clinical testing. Allele origin: germline. Not counted in ClinVar's aggregate classification.

Ambry Genetics
Classification: Likely pathogenic for Hereditary cancer-predisposing syndrome. Last evaluated: 2023-03-22. Review status: criteria provided, single submitter. Criteria: Ambry Variant Classification Scheme 2023. Collection method: clinical testing. Allele origin: germline. Not counted in ClinVar's aggregate classification.
Comment: The p.C1697Y variant (also known as c.5090G>A), located in coding exon 16 of the BRCA1 gene, results from a G to A substitution at nucleotide position 5090. The cysteine at codon 1697 is replaced by tyrosine, an amino acid with highly dissimilar properties. Both this alteration, as well as a close-match at the same codon (p.C1697R), have been reported in multiple HBOC families (Bergthorsson JT et al. J. Med. Genet. 2001 Jun;38:361-8; Biunno I et al. Fam. Cancer. 2014 Sep;13:437-44). In addition, both alterations have demonstrated abnormal protein function with respect to transactivation, protein/peptide binding, protein stability/steady-state levels, and homology-directed repair (Woods NT et al. npg Genomic Medicine. 2016: 1:16001; Vallon-Christersson J et al. Hum. Mol. Genet. 2001 Feb;10:353-60; Glover JN. Fam. Cancer. 2006;5:89-93; Williams RS et al. J. Biol. Chem. 2003 Dec;278:53007-16; Lee MS et al. Cancer Res. 2010 Jun;70:4880-90; Ambry internal data). One functional study found that this nucleotide substitution is deleterious in a high throughput genome editing haploid cell survival assay (Findlay GM et al. Nature. 2018 10;562:217-222). Internal structural analysis indicates that both amino acid substitutions are predicted to disrupt the protein-protein binding interface of BRCA1 (Clapperton JA et al. Nat. Struct. Mol. Biol. 2004 Jun;11:512-8; Ambry internal data). This variant was not reported in population-based cohorts in the Genome Aggregation Database (gnomAD) (Lek M et al. Nature. 2016 08;536:285-91). This amino acid position is highly conserved in available vertebrate species. In addition, this alteration is predicted to be deleterious by in silico analysis. Based on the majority of available evidence to date, this variant is likely to be pathogenic.